The following is an entry in ClinVar:

NM_001114753.3(ENG):c.1528C>T (p.Arg510Trp)

Genes: ENG (endoglin; minus strand), LOC102723566 (uncharacterized LOC102723566; plus strand). Cytogenetic location: 9q34.11.
Variant type: single nucleotide variant.
Coding change: c.1528C>T on transcript NM_001114753.3 (MANE Select); coding-DNA position 1528, C replaced by T.
Protein change: p.Arg510Trp; replaces arginine 510 with tryptophan.
Molecular consequence: missense variant.
Genome position (GRCh38, 1-based): chr9:127,818,278, G>A on the plus strand (C>T on the coding strand, the complement: ENG is on the minus strand). VCF-style: chr9-127818278-G-A. GRCh37 (hg19) VCF-style: chr9-130580557-G-A.
Other names: c.1528C>T, p.Arg510Trp (NM_000118.4); c.982C>T, p.Arg328Trp (NM_001278138.2); short protein forms R510W, R328W.
Identifiers: ClinVar variation 1388507 (VCV001388507.9), dbSNP rs201517535, ClinGen allele CA5252739.

ClinVar aggregate classification (germline): Uncertain significance (1 of 4 stars; one submission).

Conditions:
Hereditary hemorrhagic telangiectasia (HHT). Also called: ORW DISEASE; Osler Weber Rendu syndrome; OSLER-RENDU-WEBER DISEASE; Osler hemorrhagic telangiectasia syndrome. Identifiers: Orphanet 774, MedGen C0039445, MONDO:0019180. Disease mechanism: loss of function.

Allele frequency attached by ClinVar (database versions not stated): TOPMed below 0.00001; gnomAD exomes 0.00001; ExAC 0.00002.
gnomAD v4.1: 10 of 1,614,158 alleles (0.00062%); highest among the groups gnomAD compares: East Asian, 0.0022%; no homozygotes.

Submission:

Labcorp Genetics (formerly Invitae), Labcorp
Classification: Uncertain significance for Hereditary hemorrhagic telangiectasia. Last evaluated: 2023-07-16. Review status: criteria provided, single submitter. Criteria: Invitae Variant Classification Sherloc (09022015). Collection method: clinical testing. Allele origin: germline.
Comment: In summary, the available evidence is currently insufficient to determine the role of this variant in disease. Therefore, it has been classified as a Variant of Uncertain Significance. Advanced modeling of protein sequence and biophysical properties (such as structural, functional, and spatial information, amino acid conservation, physicochemical variation, residue mobility, and thermodynamic stability) has been performed at Invitae for this missense variant, however the output from this modeling did not meet the statistical confidence thresholds required to predict the impact of this variant on ENG protein function. ClinVar contains an entry for this variant (Variation ID: 1388507). This variant has not been reported in the literature in individuals affected with ENG-related conditions. This variant is present in population databases (rs201517535, gnomAD 0.006%). This sequence change replaces arginine, which is basic and polar, with tryptophan, which is neutral and slightly polar, at codon 510 of the ENG protein (p.Arg510Trp).